The following is an entry in ClinVar:

ClinVar aggregate classification (germline): Uncertain significance. Review status: criteria provided, multiple submitters, no conflicts (2 of 4 stars). 2 submissions from 2 submitters: Uncertain significance (2). Last evaluated 2025-11-18.

Conditions:
Cerebellar dysfunction with variable cognitive and behavioral abnormalities (CECBA). Also called: Nonprogressive cerebellar atxia with intellectual disability. Identifiers: Orphanet 314647, MedGen C3553661, MONDO:0013886, OMIM 614756.

Allele frequency attached by ClinVar (database versions not stated): ExAC 0.00001; gnomAD exomes 0.00001; gnomAD 0.00002; TOPMed 0.00002.
gnomAD v4.1: 19 of 1,608,594 alleles (0.0012%); highest among the groups gnomAD compares: Middle Eastern, 0.049%; no homozygotes.

Submissions (2):

Dasa
Classification: Uncertain significance. Last evaluated: 2025-11-18. Review status: criteria provided, single submitter. Criteria: DASA Assertion Criteria. Collection method: clinical testing. Allele origin: germline.
Comment: NM_015215.4(CAMTA1):c.2210C>T (p.Pro737Leu) is a missense variant that results in the substitution of proline with leucine. This variant is rare in population databases. Computational prediction algorithms are consistent with a benign effect. The currently available literature and clinical evidence are not sufficient to establish a definitive association between this variant and the reported condition. Therefore, this variant is classified as a variant of uncertain significance.

Revvity Omics, Revvity
Classification: Uncertain significance for Cerebellar dysfunction with variable cognitive and behavioral abnormalities. Last evaluated: 2020-03-14. Review status: criteria provided, single submitter. Criteria: ACMG Guidelines, 2015. Collection method: clinical testing. Allele origin: germline.

NM_015215.4(CAMTA1):c.2210C>T (p.Pro737Leu)

Gene: CAMTA1 (calmodulin binding transcription activator 1; plus strand). Cytogenetic location: 1p36.23.
Variant type: single nucleotide variant.
Coding change: c.2210C>T on transcript NM_015215.4 (MANE Select); coding-DNA position 2210, C replaced by T.
Protein change: p.Pro737Leu; replaces proline 737 with leucine.
Molecular consequence: missense variant.
Genome position (GRCh38, 1-based): chr1:7,664,757, C>T. VCF-style: chr1-7664757-C-T. GRCh37 (hg19) VCF-style: chr1-7724817-C-T.
Other names: c.2120C>T, p.Pro707Leu (NM_001349608.2, NM_001349612.2); c.2210C>T, p.Pro737Leu (NM_001349609.2, NM_001349610.2, NM_001410737.1); c.2138C>T, p.Pro713Leu (NM_001410738.1); short protein forms P707L, P713L, P737L.
Identifiers: ClinVar variation 2439710 (VCV002439710.5), dbSNP rs755139563, ClinGen allele CA566592.